The following is an entry in ClinVar:

ClinVar aggregate classification (germline): Uncertain significance (1 of 4 stars; one submission).

Submission:

Labcorp Genetics (formerly Invitae), Labcorp
Classification: Uncertain significance. Last evaluated: 2022-08-29. Review status: criteria provided, single submitter. Criteria: Invitae Variant Classification Sherloc (09022015). Collection method: clinical testing. Allele origin: germline.
Comment: Algorithms developed to predict the effect of missense changes on protein structure and function are either unavailable or do not agree on the potential impact of this missense change (SIFT: "Tolerated"; PolyPhen-2: "Probably Damaging"; Align-GVGD: "Class C0"). This variant has not been reported in the literature in individuals affected with THBD-related conditions. This variant is not present in population databases (gnomAD no frequency). This sequence change replaces alanine, which is neutral and non-polar, with valine, which is neutral and non-polar, at codon 242 of the THBD protein (p.Ala242Val). In summary, the available evidence is currently insufficient to determine the role of this variant in disease. Therefore, it has been classified as a Variant of Uncertain Significance.

NM_000361.3(THBD):c.725C>T (p.Ala242Val)

Gene: THBD (thrombomodulin; minus strand). Cytogenetic location: 20p11.21.
Variant type: single nucleotide variant.
Coding change: c.725C>T on transcript NM_000361.3 (MANE Select); coding-DNA position 725, C replaced by T.
Protein change: p.Ala242Val; replaces alanine 242 with valine.
Molecular consequence: missense variant.
Genome position (GRCh38, 1-based): chr20:23,048,780, G>A on the plus strand (C>T on the coding strand, the complement: THBD is on the minus strand). VCF-style: chr20-23048780-G-A. GRCh37 (hg19) VCF-style: chr20-23029417-G-A.
Other names: short protein forms A242V.
Identifiers: ClinVar variation 1718299 (VCV001718299.5), dbSNP rs1303894037, ClinGen allele CA408407081.